The following is an entry in ClinVar:

ClinVar aggregate classification (germline): Pathogenic (1 of 4 stars; one submission).

Conditions:
Multiple endocrine neoplasia, type 1 (MEN1). Also called: Endocrine adenomatosis multiple; MEN 1; MEA I; MEN I; WERMER SYNDROME. Identifiers: Orphanet 652, MedGen C0025267, MeSH D018761, MONDO:0007540, OMIM 131100.

Submission:

Labcorp Genetics (formerly Invitae), Labcorp
Classification: Pathogenic for Multiple endocrine neoplasia, type 1. Last evaluated: 2025-04-27. Review status: criteria provided, single submitter. Criteria: Invitae Variant Classification Sherloc (09022015). Collection method: clinical testing. Allele origin: germline.
Comment: This sequence change creates a premature translational stop signal (p.Gly507Profs*15) in the MEN1 gene. While this is not anticipated to result in nonsense mediated decay, it is expected to disrupt the last 104 amino acid(s) of the MEN1 protein. This variant is not present in population databases (gnomAD no frequency). This variant has not been reported in the literature in individuals affected with MEN1-related conditions. This variant disrupts a region of the MEN1 protein in which other variant(s) (p.Thr580Argfs*8) have been determined to be pathogenic (internal data). This suggests that this is a clinically significant region of the protein, and that variants that disrupt it are likely to be disease-causing. For these reasons, this variant has been classified as Pathogenic.

NM_001370259.2(MEN1):c.1519_1544del (p.Gly507fs)

Gene: MEN1 (menin 1; minus strand). Cytogenetic location: 11q13.1.
Variant type: Deletion.
Coding change: c.1519_1544del on transcript NM_001370259.2 (MANE Select); coding-DNA positions 1519 to 1544, 26 bases deleted (GGCCAGGGTGCAGTGTCAGGACCCCC).
Protein change: p.Gly507fs; shifts the reading frame from glycine 507.
Molecular consequence: frameshift variant. On other transcripts: non-coding transcript variant (4).
Genome position (GRCh38, 1-based): chr11:64,804,623-64,804,648, GGGGGTCCTGACACTGCACCCTGGCC deleted on the plus strand (GGCCAGGGTGCAGTGTCAGGACCCCC on the coding strand, the reverse complement: MEN1 is on the minus strand); deleting any 26 consecutive bases within chr11:64,804,623-64,804,650 gives the same sequence; the c. name uses the placement nearest the transcript's 3' end. VCF-style (leftmost placement, unchanged base first): chr11-64804622-GGGGGGTCCTGACACTGCACCCTGGCC-G. GRCh37 (hg19) VCF-style: chr11-64572094-GGGGGGTCCTGACACTGCACCCTGGCC-G.
Other names: c.1645_1670del, p.Gly549fs (NM_001407144.1, NM_001370251.2, NM_001407142.1 and 1 more transcripts); c.1534_1559del, p.Gly512fs (NM_001407145.1, NM_130800.3, NM_130801.3 and 4 more transcripts); c.1519_1544del, p.Gly507fs (NM_001407146.1, NM_001407147.1, NM_130799.3 and 2 more transcripts); c.1414_1439del, p.Gly472fs (NM_001407148.1, NM_001407149.1, NM_001370262.2 and 1 more transcripts); c.1660_1685del, p.Gly554fs (NM_001407150.1); c.1540_1565del, p.Gly514fs (NM_001407151.1); c.1354_1379del, p.Gly452fs (NM_001407152.1); short protein forms G452fs, G512fs, G549fs, G507fs, G472fs, G514fs, G554fs.
Identifiers: ClinVar variation 4718410 (VCV004718410.1).